The following is an entry in ClinVar:

ClinVar aggregate classification (germline): Likely benign (1 of 4 stars; one submission).

Submission:

GeneDx
Classification: Likely benign. Last evaluated: 2016-11-02. Review status: criteria provided, single submitter. Criteria: GeneDx Variant Classification (06012015). Collection method: clinical testing. Allele origin: germline. Affected: yes.
Comment: This variant is considered likely benign or benign based on one or more of the following criteria: it is a conservative change, it occurs at a poorly conserved position in the protein, it is predicted to be benign by multiple in silico algorithms, and/or has population frequency not consistent with disease.

NM_000136.3(FANCC):c.-78-17_-78-14del

Gene: FANCC (FA complementation group C; minus strand). Cytogenetic location: 9q22.32.
Variant type: Deletion.
Coding change: c.-78-17_-78-14del on transcript NM_000136.3 (MANE Select); 17 bases into the intron before 78 bases upstream of the start codon through 14 bases into the intron before 78 bases upstream of the start codon, 4 bases deleted (TGTT; older notation c.-78-17_-78-14delTGTT).
Molecular consequence: intron variant.
Genome position (GRCh38, 1-based): chr9:95,249,383-95,249,386, AACA deleted on the plus strand (TGTT on the coding strand, the reverse complement: FANCC is on the minus strand); deleting any 4 consecutive bases within chr9:95,249,383-95,249,388 gives the same sequence; the c. name uses the placement nearest the transcript's 3' end. VCF-style (leftmost placement, unchanged base first): chr9-95249382-GAACA-G. GRCh37 (hg19) VCF-style: chr9-98011664-GAACA-G.
Other names: c.-78-17_-78-14del (NM_001243743.2, NM_001243744.2); c.-78-17_-78-14delTGTT (NM_000136.2).
Identifiers: ClinVar variation 422675 (VCV000422675.1), dbSNP rs1064795929, ClinGen allele CA16618899.